The following is an entry in ClinVar:

NM_144573.4(NEXN):c.626_628del (p.Arg209del)

Gene: NEXN (nexilin F-actin binding protein; plus strand). Cytogenetic location: 1p31.1.
Variant type: Deletion.
Coding change: c.626_628del on transcript NM_144573.4 (MANE Select); coding-DNA positions 626 to 628, 3 bases deleted (GAA; older notation c.626_628delGAA).
Protein change: p.Arg209del; deletes arginine 209.
Genome position (GRCh38, 1-based): chr1:77,926,550-77,926,552, GAA deleted; deleting any 3 consecutive bases within chr1:77,926,548-77,926,552 gives the same sequence; the c. name uses the placement nearest the transcript's 3' end. VCF-style (leftmost placement, unchanged base first): chr1-77926547-AAAG-A. GRCh37 (hg19) VCF-style: chr1-78392232-AAAG-A.
Other names: c.434_436del, p.Arg145del (NM_001172309.2); short protein forms R209del, R145del.
Identifiers: ClinVar variation 3919107 (VCV003919107.1).

ClinVar aggregate classification (germline): Uncertain significance (1 of 4 stars; one submission).

Conditions:
Cardiovascular phenotype. Identifiers: MedGen CN230736.

Submission:

Ambry Genetics
Classification: Uncertain significance for Cardiovascular phenotype. Last evaluated: 2025-06-05. Review status: criteria provided, single submitter. Criteria: Ambry Variant Classification Scheme 2023. Collection method: clinical testing. Allele origin: germline.
Comment: The c.626_628delGAA variant (also known as p.R209del), located in coding exon 6 of the NEXN gene, results from an in-frame GAA deletion at nucleotide positions 626 to 628. This results in the in-frame deletion of an arginine at codon 209. This amino acid position is not well conserved in available vertebrate species. In addition, this variant is predicted to be neutral by in silico analysis (Choi Y et al. PLoS ONE. 2012; 7(10):e46688). Based on the available evidence, the clinical significance of this variant remains unclear.